The following is an entry in ClinVar:

NM_001606.5(ABCA2):c.3849C>T (p.Ala1283=)

Gene: ABCA2 (ATP binding cassette subfamily A member 2; minus strand). Cytogenetic location: 9q34.3.
Variant type: single nucleotide variant.
Coding change: c.3849C>T on transcript NM_001606.5 (MANE Select); coding-DNA position 3849, C replaced by T.
Protein change: p.Ala1283=; no amino-acid change (alanine 1283 retained).
Molecular consequence: synonymous variant.
Genome position (GRCh38, 1-based): chr9:137,014,946, G>A on the plus strand (C>T on the coding strand, the complement: ABCA2 is on the minus strand). VCF-style: chr9-137014946-G-A. GRCh37 (hg19) VCF-style: chr9-139909398-G-A.
Other names: c.3846C>T, p.Ala1282= (NM_001411042.1); c.3939C>T, p.Ala1313= (NM_212533.3).
Identifiers: ClinVar variation 3043352 (VCV003043352.3), dbSNP rs760207333, ClinGen allele CA5354635.
Genomic context (GRCh38, chr9:137,014,946, plus strand): 5'-TGCCCCCCGACCCGTGCGCCCTCACACCTGGAAGAGGCGCTCGAAAGCCCCCTTCTTGGC[G>A]GCCTCGCTGGGCAGGATGTAGGAGAGCTCCGTGCTTGTGTCTGAGACCAGCAGGCAGGAG-3'
Protein context (NP_001597.2, residues 1273-1293): TELSYILPSE[Ala1283=]AKKGAFERLF

ClinVar aggregate classification (germline): Likely benign. Review status: criteria provided, single submitter (1 of 4 stars). 2 submissions from 2 submitters: Likely benign (1). 1 of the submissions does not count toward it. Last evaluated 2022-11-18.

Conditions:
ABCA2-related disorder. Also called: ABCA2-related condition.

Allele frequency attached by ClinVar (database versions not stated): gnomAD exomes 0.00002; gnomAD 0.00003; TOPMed 0.00006; ExAC 0.00007.
gnomAD v4.1: 30 of 1,564,362 alleles (0.0019%); highest among the groups gnomAD compares: Middle Eastern, 0.017%; no homozygotes.

Submissions (2):

Blueprint Genetics
Classification: Likely benign. Last evaluated: 2022-11-18. Review status: criteria provided, single submitter. Criteria: ACMG Guidelines, 2015. Collection method: clinical testing. Allele origin: germline.

PreventionGenetics, part of Exact Sciences
Classification: Likely benign for ABCA2-related condition. Last evaluated: 2019-07-04. Review status: no assertion criteria provided. Collection method: clinical testing. Allele origin: germline. Not counted in ClinVar's aggregate classification.
Comment: This variant is classified as likely benign based on ACMG/AMP sequence variant interpretation guidelines (Richards et al. 2015 PMID: 25741868, with internal and published modifications).